The following is an entry in ClinVar:

ClinVar aggregate classification (germline): Uncertain significance (1 of 4 stars; one submission).

Conditions:
Epidermolysis bullosa simplex 5C, with pyloric atresia (EBS5C). Also called: PLEC1-Related Epidermolysis Bullosa with Pyloric Atresia; Epidermolysis bullosa simplex with pyloric atresia; PLEC-Related Epidermolysis Bullosa with Pyloric Atresia. Identifiers: Orphanet 158684, MedGen C2677349, MONDO:0012807, OMIM 612138.
Epidermolysis bullosa simplex with nail dystrophy (EBS5D). Identifiers: MedGen C4225309, MONDO:0014661, OMIM 616487.
Epidermolysis bullosa simplex 5B, with muscular dystrophy (EBS5B). Also called: EPIDERMOLYSIS BULLOSA SIMPLEX AND LIMB-GIRDLE MUSCULAR DYSTROPHY; Epidermolysis bullosa simplex with muscular dystrophy. Identifiers: Orphanet 257, MedGen C2931072, MONDO:0009181, OMIM 226670.
Epidermolysis bullosa simplex, Ogna type (EBS5A). Also called: Pidermolysis bullosa simplex 5A, Ogna type; EPIDERMOLYSIS BULLOSA SIMPLEX 5A, OGNA TYPE. Identifiers: Orphanet 79401, MedGen C0432317, MONDO:0007555, OMIM 131950.
Autosomal recessive limb-girdle muscular dystrophy type 2Q (LGMDR17). Also called: MUSCULAR DYSTROPHY, LIMB-GIRDLE, AUTOSOMAL RECESSIVE 17. Identifiers: Orphanet 254361, MedGen C3150989, MONDO:0013390, OMIM 613723.

Submission:

Labcorp Genetics (formerly Invitae), Labcorp
Classification: Uncertain significance for Autosomal recessive limb-girdle muscular dystrophy type 2Q; Epidermolysis bullosa simplex, Ogna type; Epidermolysis bullosa simplex with nail dystrophy; Epidermolysis bullosa simplex 5C, with pyloric atresia; Epidermolysis bullosa simplex 5B, with muscular dystrophy. Last evaluated: 2025-10-18. Review status: criteria provided, single submitter. Criteria: Invitae Variant Classification Sherloc (09022015). Collection method: clinical testing. Allele origin: germline.
Comment: This sequence change replaces glycine, which is neutral and non-polar, with valine, which is neutral and non-polar, at codon 3049 of the PLEC protein (p.Gly3049Val). This variant is not present in population databases (gnomAD no frequency). This variant has not been reported in the literature in individuals affected with PLEC-related conditions. ClinVar contains an entry for this variant (Variation ID: 839329). Invitae Evidence Modeling of protein sequence and biophysical properties (such as structural, functional, and spatial information, amino acid conservation, physicochemical variation, residue mobility, and thermodynamic stability) indicates that this missense variant is not expected to disrupt PLEC protein function with a negative predictive value of 80%. In summary, the available evidence is currently insufficient to determine the role of this variant in disease. Therefore, it has been classified as a Variant of Uncertain Significance.

NM_201384.3(PLEC):c.9065G>T (p.Gly3022Val)

Gene: PLEC (plectin; minus strand). Cytogenetic location: 8q24.3.
Variant type: single nucleotide variant.
Coding change: c.9065G>T on transcript NM_201384.3 (MANE Select); coding-DNA position 9065, G replaced by T.
Protein change: p.Gly3022Val; replaces glycine 3022 with valine.
Molecular consequence: missense variant.
Genome position (GRCh38, 1-based): chr8:143,920,756, C>A on the plus strand (G>T on the coding strand, the complement: PLEC is on the minus strand). VCF-style: chr8-143920756-C-A. GRCh37 (hg19) VCF-style: chr8-144994924-C-A.
Other names: c.9146G>T, p.Gly3049Val (NM_000445.5); c.9023G>T, p.Gly3008Val (NM_201378.4); c.8999G>T, p.Gly3000Val (NM_201379.3); c.9476G>T, p.Gly3159Val (NM_201380.4); c.8969G>T, p.Gly2990Val (NM_201381.3); c.9065G>T, p.Gly3022Val (NM_201382.4); c.9077G>T, p.Gly3026Val (NM_201383.3); short protein forms G3022V, G3049V, G2990V, G3008V, G3026V, G3159V, G3000V.
Identifiers: ClinVar variation 839329 (VCV000839329.7), dbSNP rs1554682874, ClinGen allele CA372514060.